The following is an entry in ClinVar:

ClinVar aggregate classification (germline): Uncertain significance (1 of 4 stars; one submission).

Conditions:
Inborn genetic diseases. Identifiers: MedGen C0950123, MeSH D030342.

Allele frequency attached by ClinVar (database versions not stated): gnomAD exomes 0.00001.
gnomAD v4.1: 19 of 1,613,234 alleles (0.0012%); highest among the groups gnomAD compares: Non-Finnish European, 0.0016%; no homozygotes.

Submission:

Ambry Genetics
Classification: Uncertain significance for Inborn genetic diseases. Last evaluated: 2023-02-03. Review status: criteria provided, single submitter. Criteria: Ambry Variant Classification Scheme 2023. Collection method: clinical testing. Allele origin: germline.
Comment: The p.P519T variant (also known as c.1555C>A), located in coding exon 12 of the BUB1B gene, results from a C to A substitution at nucleotide position 1555. The proline at codon 519 is replaced by threonine, an amino acid with highly similar properties. This amino acid position is conserved. In addition, this alteration is predicted to be tolerated by in silico analysis. Since supporting evidence is limited at this time, the clinical significance of this alteration remains unclear.

NM_001211.6(BUB1B):c.1555C>A (p.Pro519Thr)

Gene: BUB1B (BUB1 mitotic checkpoint serine/threonine kinase B; plus strand). Cytogenetic location: 15q15.1.
Variant type: single nucleotide variant.
Coding change: c.1555C>A on transcript NM_001211.6 (MANE Select); coding-DNA position 1555, C replaced by A.
Protein change: p.Pro519Thr; replaces proline 519 with threonine.
Molecular consequence: missense variant.
Genome position (GRCh38, 1-based): chr15:40,200,968, C>A. VCF-style: chr15-40200968-C-A. GRCh37 (hg19) VCF-style: chr15-40493169-C-A.
Other names: short protein forms P519T.
Identifiers: ClinVar variation 2462408 (VCV002462408.2), dbSNP rs2542557170, ClinGen allele CA391690781.